The following is an entry in ClinVar:

NM_001377540.1(SLMAP):c.1348A>G (p.Lys450Glu)

Gene: SLMAP (sarcolemma associated protein; plus strand). Cytogenetic location: 3p14.3.
Variant type: single nucleotide variant.
Coding change: c.1348A>G on transcript NM_001377540.1 (MANE Select); coding-DNA position 1348, A replaced by G.
Protein change: p.Lys450Glu; replaces lysine 450 with glutamic acid.
Molecular consequence: missense variant. On other transcripts: 5 prime UTR variant (7), non-coding transcript variant (1).
Genome position (GRCh38, 1-based): chr3:57,890,088, A>G. VCF-style: chr3-57890088-A-G. GRCh37 (hg19) VCF-style: chr3-57875815-A-G.
Other names: c.1297A>G, p.Lys433Glu (NM_001377562.1, NM_001377921.1, NM_001304420.3 and 2 more transcripts); c.1285A>G, p.Lys429Glu (NM_001377922.1, NM_001377545.1); c.1246A>G, p.Lys416Glu (NM_001377923.1, NM_007159.5, NM_001377549.1); c.1234A>G, p.Lys412Glu (NM_001377924.1, NM_001377551.1, NM_001377552.1); c.1183A>G, p.Lys395Glu (NM_001377925.1, NM_001304421.2, NM_001377557.1 and 1 more transcripts); c.-102A>G (NM_001377926.1, NM_001377927.1, NM_001377928.1 and 4 more transcripts); c.1348A>G, p.Lys450Glu (NM_001377538.1, NM_001377539.1, NM_001377555.1); short protein forms K412E, K416E, K433E, K450E, K395E, K429E.
Identifiers: ClinVar variation 5029686 (VCV005029686.1).

ClinVar aggregate classification (germline): Uncertain significance (1 of 4 stars; one submission).

Submission:

Ambry Genetics
Classification: Uncertain significance. Last evaluated: 2026-08-29. Review status: criteria provided, single submitter. Criteria: Ambry Variant Classification Scheme 2023. Collection method: clinical testing. Allele origin: germline.
Comment: The p.K416E variant (also known as c.1246A>G), located in coding exon 12 of the SLMAP gene, results from an A to G substitution at nucleotide position 1246. The lysine at codon 416 is replaced by glutamic acid, an amino acid with similar properties. This amino acid position is conserved. In addition, this alteration is predicted to be tolerated by in silico analysis. Based on the available evidence, the clinical significance of this variant remains unclear.